The following is an entry in ClinVar:

ClinVar aggregate classification (germline): Likely benign. Review status: criteria provided, multiple submitters, no conflicts (2 of 4 stars). 2 submissions from 2 submitters: Likely benign (2). Last evaluated 2026-01-28.

Allele frequency attached by ClinVar (database versions not stated): gnomAD exomes 0.00004; gnomAD 0.00006; ESP Exome Variant Server 0.00008; TOPMed 0.00009; ExAC 0.00010; 1000 Genomes Project 30x 0.00016; 1000 Genomes Project 0.00020.
gnomAD v4.1: 74 of 1,612,820 alleles (0.0046%); highest among the groups gnomAD compares: East Asian, 0.049%; no homozygotes.

Submissions (2):

Labcorp Genetics (formerly Invitae), Labcorp
Classification: Likely benign. Last evaluated: 2026-01-28. Review status: criteria provided, single submitter. Criteria: Invitae Variant Classification Sherloc (09022015). Collection method: clinical testing. Allele origin: germline.

GeneDx
Classification: Likely benign. Last evaluated: 2018-01-19. Review status: criteria provided, single submitter. Criteria: GeneDx Variant Classification (06012015). Collection method: clinical testing. Allele origin: germline. Affected: yes.
Comment: This variant is considered likely benign or benign based on one or more of the following criteria: it is a conservative change, it occurs at a poorly conserved position in the protein, it is predicted to be benign by multiple in silico algorithms, and/or has population frequency not consistent with disease.

NM_001042545.2(LTBP4):c.1917G>A (p.Ala639=)

Gene: LTBP4 (latent transforming growth factor beta binding protein 4; plus strand). Cytogenetic location: 19q13.2.
Variant type: single nucleotide variant.
Coding change: c.1917G>A on transcript NM_001042545.2 (MANE Select); coding-DNA position 1917, G replaced by A.
Protein change: p.Ala639=; no amino-acid change (alanine 639 retained).
Molecular consequence: synonymous variant.
Genome position (GRCh38, 1-based): chr19:40,611,258, G>A. VCF-style: chr19-40611258-G-A. GRCh37 (hg19) VCF-style: chr19-41117164-G-A.
Other names: c.2118G>A, p.Ala706= (NM_001042544.1); c.2007G>A, p.Ala669= (NM_003573.2).
Identifiers: ClinVar variation 514716 (VCV000514716.7), dbSNP rs368513626, ClinGen allele CA9448475.
Genomic context (GRCh38, chr19:40,611,258, plus strand): 5'-CTGCAAGAACCTGCCTGGCTCTTTCCGCTGTGTTTGCCCGGCTGGCTTCCGGGGCTCGGC[G>A]TGTGAAGAGGATGTGGATGAGTGTGCCCAGGAGCCGCCGCCCTGTGGGCCCGGCCGCTGT-3'
Protein context (NP_001036010.1, residues 629-649): CVCPAGFRGS[Ala639=]CEEDVDECAQ